The following is an entry in ClinVar:

ClinVar aggregate classification (germline): Uncertain significance (1 of 4 stars; one submission).

Submission:

GeneDx
Classification: Uncertain significance. Last evaluated: 2023-06-04. Review status: criteria provided, single submitter. Criteria: GeneDx Variant Classification Process June 2021. Collection method: clinical testing. Allele origin: germline. Affected: yes.
Comment: Not observed at significant frequency in large population cohorts (gnomAD); In silico analysis supports that this missense variant has a deleterious effect on protein structure/function; Has not been previously published as pathogenic or benign to our knowledge

NM_006015.6(ARID1A):c.4637C>A (p.Pro1546His)

Gene: ARID1A (AT-rich interaction domain 1A; plus strand). Cytogenetic location: 1p36.11.
Variant type: single nucleotide variant.
Coding change: c.4637C>A on transcript NM_006015.6 (MANE Select); coding-DNA position 4637, C replaced by A.
Protein change: p.Pro1546His; replaces proline 1546 with histidine.
Molecular consequence: missense variant. On other transcripts: intron variant (1).
Genome position (GRCh38, 1-based): chr1:26,774,864, C>A. VCF-style: chr1-26774864-C-A. GRCh37 (hg19) VCF-style: chr1-27101355-C-A.
Other names: c.4102-116C>A (NM_139135.4); short protein forms P1546H.
Identifiers: ClinVar variation 3253519 (VCV003253519.1), dbSNP rs752731961.